The following is an entry in ClinVar:

ClinVar aggregate classification (germline): Uncertain significance. Review status: criteria provided, multiple submitters, no conflicts (2 of 4 stars). 2 submissions from 2 submitters: Uncertain significance (2). Last evaluated 2025-09-22.

Conditions:
Cornelia de Lange syndrome 1 (CDLS1). Also called: TYPUS DEGENERATIVUS AMSTELODAMENSIS; Brachmann de Lange syndrome; NIPBL-Related Cornelia de Lange Syndrome. Identifiers: Orphanet 199, MedGen C4551851, MONDO:0007387, OMIM 122470.

Submissions (2):

3billion
Classification: Uncertain significance for Cornelia de Lange syndrome 1. Last evaluated: 2025-09-22. Review status: criteria provided, single submitter. Criteria: ACMG Guidelines, 2015. Collection method: clinical testing. Allele origin: germline. Affected: yes.
Comment: The variant is not observed in the gnomAD v4.1.0 dataset. Predicted Consequence/Location: Intron variant In silico tools predict the variant to alter splicing and produce an abnormal transcript [SpliceAI: 0.99 (>=0.2, moderate evidence for spliceogenicity)]. The variant has been reported as of uncertain significance (ClinVar ID: VCV003911932). Therefore, this variant is classified as VUS according to the recommendation of ACMG/AMP guideline.

Women's Health and Genetics/Laboratory Corporation of America, LabCorp
Classification: Uncertain significance. Last evaluated: 2025-07-03. Review status: criteria provided, single submitter. Criteria: LabCorp Variant Classification Summary - May 2015. Collection method: clinical testing. Allele origin: germline.
Comment: Variant summary: NIPBL c.5328+10A>G alters a nucleotide located at a position not widely known to affect splicing. Several computational tools predict a significant impact on normal splicing: Four predict the variant creates a 5' donor site. However, these predictions have yet to be confirmed by functional studies. The variant was absent in 250572 control chromosomes (gnomAD). The available data on variant occurrences in the general population are insufficient to allow any conclusion about variant significance. To our knowledge, no occurrence of c.5328+10A>G in individuals affected with Cornelia De Lange Syndrome 1 and no experimental evidence demonstrating its impact on protein function have been reported. No submitters have cited clinical-significance assessments for this variant to ClinVar. Based on the evidence outlined above, the variant was classified as uncertain significance.

NM_133433.4(NIPBL):c.5328+10A>G

Gene: NIPBL (NIPBL cohesin loading factor; plus strand). Cytogenetic location: 5p13.2.
Variant type: single nucleotide variant.
Coding change: c.5328+10A>G on transcript NM_133433.4 (MANE Select); 10 bases into the intron after coding-DNA position 5328, A replaced by G.
Molecular consequence: intron variant.
Genome position (GRCh38, 1-based): chr5:37,020,887, A>G. VCF-style: chr5-37020887-A-G. GRCh37 (hg19) VCF-style: chr5-37020989-A-G.
Other names: c.5328+10A>G (NM_015384.5).
Identifiers: ClinVar variation 3911932 (VCV003911932.3).